The following is an entry in ClinVar:

NM_003587.5(DHX16):c.719G>A (p.Arg240Gln)

Gene: DHX16 (DEAH-box helicase 16; minus strand). Cytogenetic location: 6p21.33.
Variant type: single nucleotide variant.
Coding change: c.719G>A on transcript NM_003587.5 (MANE Select); coding-DNA position 719, G replaced by A.
Protein change: p.Arg240Gln; replaces arginine 240 with glutamine.
Molecular consequence: missense variant. On other transcripts: 5 prime UTR variant (1).
Genome position (GRCh38, 1-based): chr6:30,665,681, C>T on the plus strand (G>A on the coding strand, the complement: DHX16 is on the minus strand). VCF-style: chr6-30665681-C-T. GRCh37 (hg19) VCF-style: chr6-30633458-C-T.
Other names: c.539G>A, p.Arg180Gln (NM_001164239.2); c.-1401G>A (NM_001363515.2); short protein forms R180Q, R240Q.
Identifiers: ClinVar variation 3233452 (VCV003233452.2), dbSNP rs199775700, ClinGen allele CA3701404.

ClinVar aggregate classification (germline): Uncertain significance (1 of 4 stars; one submission).

Allele frequency attached by ClinVar (database versions not stated): ExAC 0.00001.
gnomAD v4.1: 8 of 1,612,450 alleles (0.0005%); highest among the groups gnomAD compares: East Asian, 0.0022%; no homozygotes.

Submission:

Women's Health and Genetics/Laboratory Corporation of America, LabCorp
Classification: Uncertain significance. Last evaluated: 2024-03-13. Review status: criteria provided, single submitter. Criteria: LabCorp Variant Classification Summary - May 2015. Collection method: clinical testing. Allele origin: germline.
Comment: Variant summary: DHX16 c.719G>A (p.Arg240Gln) results in a conservative amino acid change in the encoded protein sequence. Five of five in-silico tools predict a benign effect of the variant on protein function. The variant allele was found at a frequency of 8.1e-06 in 245860 control chromosomes (gnomAD). The available data on variant occurrences in the general population are insufficient to allow any conclusion about variant significance. To our knowledge, no occurrence of c.719G>A in individuals affected with Neuromuscular Disease And Ocular Or Auditory Anomalies With Or Without Seizures and no experimental evidence demonstrating its impact on protein function have been reported. No submitters have cited clinical-significance assessments for this variant to ClinVar. Based on the evidence outlined above, the variant was classified as uncertain significance.